The following is an entry in ClinVar:

NC_000016.9:g.(?_46762916)_(46764630_?)del

Gene: MYLK3 (myosin light chain kinase 3; minus strand). Cytogenetic location: 16q11.2.
Variant type: Deletion.
Identifiers: ClinVar variation 2427585 (VCV002427585.4).

ClinVar aggregate classification (germline): Uncertain significance (1 of 4 stars; one submission).

Submission:

Labcorp Genetics (formerly Invitae), Labcorp
Classification: Uncertain significance. Last evaluated: 2022-04-11. Review status: criteria provided, single submitter. Criteria: Invitae Variant Classification Sherloc (09022015). Collection method: clinical testing. Allele origin: germline.
Comment: This variant is a gross deletion of the genomic region encompassing exon(s) 5-7 of the MYLK3 gene. This deletion is out-of-frame, and is expected to create a premature translational stop signal and result in an absent or disrupted protein product. However, the current clinical and genetic evidence is not sufficient to establish whether loss-of-function variants in MYLK3 cause disease. This variant has not been reported in the literature in individuals affected with MYLK3-related conditions. In summary, the available evidence is currently insufficient to determine the role of this variant in disease. Therefore, it has been classified as a Variant of Uncertain Significance.